The following is an entry in ClinVar:

ClinVar aggregate classification (germline): Uncertain significance (1 of 4 stars; one submission).

Allele frequency attached by ClinVar (database versions not stated): gnomAD exomes below 0.00001.
gnomAD v4.1: 2 of 1,613,634 alleles (0.00012%); highest among the groups gnomAD compares: East Asian, 0.0022%; no homozygotes.

Submission:

Labcorp Genetics (formerly Invitae), Labcorp
Classification: Uncertain significance. Last evaluated: 2021-05-19. Review status: criteria provided, single submitter. Criteria: Invitae Variant Classification Sherloc (09022015). Collection method: clinical testing. Allele origin: germline.
Comment: Algorithms developed to predict the effect of missense changes on protein structure and function are either unavailable or do not agree on the potential impact of this missense change (SIFT: "Deleterious"; PolyPhen-2: "Benign"; Align-GVGD: "Class C65"). In summary, the available evidence is currently insufficient to determine the role of this variant in disease. Therefore, it has been classified as a Variant of Uncertain Significance. This variant has not been reported in the literature in individuals with WNT3A-related conditions. This variant is not present in population databases (ExAC no frequency). This sequence change replaces arginine with leucine at codon 247 of the WNT3A protein (p.Arg247Leu). The arginine residue is highly conserved and there is a moderate physicochemical difference between arginine and leucine.

NM_033131.4(WNT3A):c.740G>T (p.Arg247Leu)

Gene: WNT3A (Wnt family member 3A; plus strand). Cytogenetic location: 1q42.13.
Variant type: single nucleotide variant.
Coding change: c.740G>T on transcript NM_033131.4 (MANE Select); coding-DNA position 740, G replaced by T.
Protein change: p.Arg247Leu; replaces arginine 247 with leucine.
Molecular consequence: missense variant.
Genome position (GRCh38, 1-based): chr1:228,059,146, G>T. VCF-style: chr1-228059146-G-T. GRCh37 (hg19) VCF-style: chr1-228246847-G-T.
Other names: short protein forms R247L.
Identifiers: ClinVar variation 1355131 (VCV001355131.8), dbSNP rs904646118, ClinGen allele CA345336813.
Genomic context (GRCh38, chr1:228,059,146, plus strand): 5'-TCGGTGACTTCCTCAAGGACAAGTACGACAGCGCCTCGGAGATGGTGGTGGAGAAGCACC[G>T]GGAGTCCCGCGGCTGGGTGGAGACCCTGCGGCCGCGCTACACCTACTTCAAGGTGCCCAC-3'
Protein context (NP_149122.1, residues 237-257): SASEMVVEKH[Arg247Leu]ESRGWVETLR